The following is an entry in ClinVar:

NM_130466.4(UBE3B):c.84A>G (p.Glu28=)

Gene: UBE3B (ubiquitin protein ligase E3B; plus strand). Cytogenetic location: 12q24.11.
Variant type: single nucleotide variant.
Coding change: c.84A>G on transcript NM_130466.4 (MANE Select); coding-DNA position 84, A replaced by G.
Protein change: p.Glu28=; no amino-acid change (glutamic acid 28 retained).
Molecular consequence: synonymous variant.
Genome position (GRCh38, 1-based): chr12:109,483,635, A>G. VCF-style: chr12-109483635-A-G. GRCh37 (hg19) VCF-style: chr12-109921440-A-G.
Other names: c.84A>G, p.Glu28= (NM_001270449.2, NM_001270450.2, NM_001270451.2 and 1 more transcripts).
Identifiers: ClinVar variation 3905772 (VCV003905772.11).
Genomic context (GRCh38, chr12:109,483,635, plus strand): 5'-GAGAGCATGGTTCATCGATAGAGCCCGTCAGGCACGAGAAGAAAGGCTTGTGCAGAAGGA[A>G]CGGGAGCGGGCAGCTGTTGTGATCCAGGCCCATGTCCGGAGTTTTCTCTGTCGGAGTCGA-3'
Protein context (NP_569733.2, residues 18-38): QAREERLVQK[Glu28=]RERAAVVIQA

ClinVar aggregate classification (germline): Likely benign. Review status: criteria provided, multiple submitters, no conflicts (2 of 4 stars). 2 submissions from 2 submitters: Likely benign (2). Last evaluated 2025-04-01.

Submissions (2):

CeGaT Center for Human Genetics Tuebingen
Classification: Likely benign. Last evaluated: 2025-04-01. Review status: criteria provided, single submitter. Criteria: CeGaT Center For Human Genetics Tuebingen Variant Classification Criteria Version 2. Collection method: clinical testing. Allele origin: germline. Affected: yes. Observed: 1 variant allele.
Comment: UBE3B: BP4, BP7

Labcorp Genetics (formerly Invitae), Labcorp
Classification: Likely benign. Last evaluated: 2025-03-04. Review status: criteria provided, single submitter. Criteria: Invitae Variant Classification Sherloc (09022015). Collection method: clinical testing. Allele origin: germline.